The following is an entry in ClinVar:

NM_002641.4(PIGA):c.368C>T (p.Thr123Met)

Gene: PIGA (phosphatidylinositol glycan anchor biosynthesis class A; minus strand). Cytogenetic location: Xp22.2.
Variant type: single nucleotide variant.
Coding change: c.368C>T on transcript NM_002641.4 (MANE Select); coding-DNA position 368, C replaced by T.
Protein change: p.Thr123Met; replaces threonine 123 with methionine.
Molecular consequence: missense variant. On other transcripts: intron variant (1).
Genome position (GRCh38, 1-based): chrX:15,331,563, G>A on the plus strand (C>T on the coding strand, the complement: PIGA is on the minus strand). VCF-style: chrX-15331563-G-A. GRCh37 (hg19) VCF-style: chrX-15349685-G-A.
Other names: c.13+3938C>T (NM_020473.3); short protein forms T123M.
Identifiers: ClinVar variation 432113 (VCV000432113.21), dbSNP rs1555945480, ClinGen allele CA412340314.
Genomic context (GRCh38, chrX:15,331,563, plus strand): 5'-TTGGCGTGGAAGAGAGCATCATGGGCCATAGCAGAAAAAGAACTATGTGAATGGATTATC[G>A]TGACTCTCTCCCGAACAAATATGTACCTGAGCAATGGCAGACTGTGAAAGAGGGTCGTGG-3'
Protein context (NP_002632.1, residues 113-133): LRYIFVRERV[Thr123Met]IIHSHSSFSA

ClinVar aggregate classification (germline): Conflicting classifications of pathogenicity. Review status: criteria provided, conflicting classifications (1 of 4 stars). 5 submissions from 5 submitters: Pathogenic (2); Likely pathogenic (1); Uncertain significance (2). Last evaluated 2025-12-18.

Conditions:
PIGA-related disorder. Also called: PIGA-related condition.
Multiple congenital anomalies-hypotonia-seizures syndrome 2 (MCAHS2). Also called: GLYCOSYLPHOSPHATIDYLINOSITOL BIOSYNTHESIS DEFECT 4; EPILEPTIC ENCEPHALOPATHY, EARLY INFANTILE, 20. Identifiers: Orphanet 300496, MedGen C3275508, MONDO:0010466, OMIM 300868.
Paroxysmal nocturnal hemoglobinuria 1 (PNH1). Identifiers: Orphanet 447, MedGen C3806670, MONDO:0010438, OMIM 300818.

Submissions (5):

Neurology Department, Soochow Children's Hospital
Classification: Uncertain significance for Multiple congenital anomalies-hypotonia-seizures syndrome 2. Last evaluated: 2025-12-18. Review status: criteria provided, single submitter. Criteria: ACMG Guidelines, 2015. Collection method: clinical testing. Allele origin: maternal. Inheritance: X-linked recessive inheritance. Affected: yes. Observed: 1 hemizygote.
Comment: Variation NM_002641.4:c.368c>t has been reported in at least four patients with epilepsy in the form of hemizygosity (pubmed:31704190, 32452540, 32371413, 32980267)(PS4_moderate). At present, the variation has not been included in the gnomad database (PM2_supporting). Grantham's distance prediction showed that the physical and chemical properties of threonine and methionine were moderately different (Grantham dist:81) (PubMed: 4843792, 6442359). Amino acid conservation analysis showed that the wild-type amino acid (thr123) at the ectopic site of the mutation was at 60/62. It is highly conserved in mammals (including 12 primates) and 34/36 non mammalian vertebrates, indicating that this locus is highly conserved and occurs Amino acid substitution may not be tolerated. The missense mutation is harmful in 19/21 prediction software and tolerable in 2/21 prediction software, The predicted value of the renew software is 0.697 (from varsome website) (PP3). According to the ACMG guidelines, the variation was classified as clinical significance Variation with unknown meaning (PS4_moderate+PM2_supporting+PP3).

Labcorp Genetics (formerly Invitae), Labcorp
Classification: Uncertain significance for Multiple congenital anomalies-hypotonia-seizures syndrome 2. Last evaluated: 2023-08-27. Review status: criteria provided, single submitter. Criteria: Invitae Variant Classification Sherloc (09022015). Collection method: clinical testing. Allele origin: germline.
Comment: ClinVar contains an entry for this variant (Variation ID: 432113). This missense change has been observed in individual(s) with clinical features of PIGA-related conditions (PMID: 31704190, 32452540). This variant is not present in population databases (gnomAD no frequency). This sequence change replaces threonine, which is neutral and polar, with methionine, which is neutral and non-polar, at codon 123 of the PIGA protein (p.Thr123Met). In summary, the available evidence is currently insufficient to determine the role of this variant in disease. Therefore, it has been classified as a Variant of Uncertain Significance. Advanced modeling of protein sequence and biophysical properties (such as structural, functional, and spatial information, amino acid conservation, physicochemical variation, residue mobility, and thermodynamic stability) performed at Invitae indicates that this missense variant is expected to disrupt PIGA protein function.

Blueprint Genetics
Classification: Pathogenic for PIGA-related disorders. Last evaluated: 2023-06-28. Review status: criteria provided, single submitter. Criteria: ACMG Guidelines, 2015. Collection method: clinical testing. Allele origin: germline. Affected: yes. Observed: 2 variant alleles.

GeneDx
Classification: Pathogenic. Last evaluated: 2022-04-06. Review status: criteria provided, single submitter. Criteria: GeneDx Variant Classification Process June 2021. Collection method: clinical testing. Allele origin: germline. Affected: yes.
Comment: Not observed in large population cohorts (gnomAD); In silico analysis supports that this missense variant has a deleterious effect on protein structure/function; This variant is associated with the following publications: (PMID: 32371413, 32980267, 31704190, 32452540)

Institute for Genomic Medicine (IGM) Clinical Laboratory, Nationwide Children's Hospital
Classification: Likely pathogenic for Multiple congenital anomalies-hypotonia-seizures syndrome 2; Paroxysmal nocturnal hemoglobinuria 1. Last evaluated: 2018-08-16. Review status: criteria provided, single submitter. Criteria: ACMG Guidelines, 2015. Collection method: clinical testing. Allele origin: germline. Affected: yes.
Comment: [ACMG/AMP: PM1, PM2, PP3, PP5] This alteration is located in a mutational hotspot and/or critical and well-established functional domain [PM1], is absent from or rarely observed in large-scale population databases [PM2], is predicted to be damaging by multiple functional prediction tools [PP3], was reported as a pathogenic/likely pathogenic alteration by a reputable source (ClinVar or other correspondence from a clinical testing laboratory) [PP5].

Literature cited by the submitters: PubMed 32901917 (cited by Neurology Department, Soochow Children's Hospital); PubMed 31704190 (cited by Labcorp Genetics (formerly Invitae), Labcorp); PubMed 32452540 (cited by Labcorp Genetics (formerly Invitae), Labcorp).